The following is an entry in ClinVar:

NM_016604.4(KDM3B):c.3452C>G (p.Pro1151Arg)

Gene: KDM3B (lysine demethylase 3B; plus strand). Cytogenetic location: 5q31.2.
Variant type: single nucleotide variant.
Coding change: c.3452C>G on transcript NM_016604.4 (MANE Select); coding-DNA position 3452, C replaced by G.
Protein change: p.Pro1151Arg; replaces proline 1151 with arginine.
Molecular consequence: missense variant.
Genome position (GRCh38, 1-based): chr5:138,418,969, C>G. VCF-style: chr5-138418969-C-G. GRCh37 (hg19) VCF-style: chr5-137754658-C-G.
Other names: c.3452C>G (NM_016604.3); short protein forms P1151R.
Identifiers: ClinVar variation 2655721 (VCV002655721.26), dbSNP rs149190373, ClinGen allele CA3429260.
Genomic context (GRCh38, chr5:138,418,969, plus strand): 5'-ACCCAAGCACAGCACTCTAATTATGTTGGCCTTCTGCATTTTAGCTTCCTAGCATAAACC[C>G]TAGTGCCTCTTCTGGAAACGAAACTACCTTCTCTGGTGGAGGAGGACCGGCACCAGTAAC-3'
Protein context (NP_057688.3, residues 1141-1161): NGMSQLPSIN[Pro1151Arg]SASSGNETTF

ClinVar aggregate classification (germline): Likely benign. Review status: criteria provided, multiple submitters, no conflicts (2 of 4 stars). 3 submissions from 3 submitters: Likely benign (2). 1 of the submissions does not count toward it. Last evaluated 2026-08-01.

Conditions:
Inborn genetic diseases. Identifiers: MedGen C0950123, MeSH D030342.
KDM3B-related disorder. Also called: KDM3B-related condition.

Allele frequency attached by ClinVar (database versions not stated): ESP Exome Variant Server 0.00092; gnomAD exomes 0.00111; gnomAD 0.00117; TOPMed 0.00134; ExAC 0.00147; 1000 Genomes Project 0.00060; 1000 Genomes Project 30x 0.00062.
gnomAD v4.1: 1,826 of 1,614,160 alleles (0.11%); highest among the groups gnomAD compares: Middle Eastern, 0.45%; 5 homozygotes.

Submissions (3):

CeGaT Center for Human Genetics Tuebingen
Classification: Likely benign. Last evaluated: 2026-08-01. Review status: criteria provided, single submitter. Criteria: CeGaT Center For Human Genetics Tuebingen Variant Classification Criteria Version 2. Collection method: clinical testing. Allele origin: germline. Affected: yes. Observed: 8 variant alleles.
Comment: KDM3B: BS1

Ambry Genetics
Classification: Likely benign for Inborn genetic diseases. Last evaluated: 2021-06-25. Review status: criteria provided, single submitter. Criteria: Ambry Variant Classification Scheme 2023. Collection method: clinical testing. Allele origin: germline.

PreventionGenetics, part of Exact Sciences
Classification: Benign for KDM3B-related condition. Last evaluated: 2019-12-02. Review status: no assertion criteria provided. Collection method: clinical testing. Allele origin: germline. Not counted in ClinVar's aggregate classification.
Comment: This variant is classified as benign based on ACMG/AMP sequence variant interpretation guidelines (Richards et al. 2015 PMID: 25741868, with internal and published modifications).